The following is an entry in ClinVar:

NM_000051.4(ATM):c.5178-9_5202del

Gene: ATM (ATM serine/threonine kinase; plus strand). Cytogenetic location: 11q22.3.
Variant type: Deletion.
Coding change: c.5178-9_5202del on transcript NM_000051.4 (MANE Select); 9 bases into the intron before coding-DNA position 5178 through coding-DNA position 5202, 34 bases deleted.
Molecular consequence: splice acceptor variant.
Genome position (GRCh38, 1-based): chr11:108,301,639-108,301,672, 34 bases deleted; deleting any 34 consecutive bases within chr11:108,301,638-108,301,672 gives the same sequence; the c. name uses the placement nearest the transcript's 3' end. GRCh37 (hg19): chr11:108,172,366-108,172,399.
Other names: c.5178-9_5202del (NM_001351834.2).
Identifiers: ClinVar variation 1479596 (VCV001479596.6), dbSNP rs2135911351, ClinGen allele CA2573146498.
Genomic context (GRCh38, chr11:108,301,637, plus strand): 5'-TCAGTGGAGGTTAACATTCATCAAGATTAATAACTGGTGTACTTGATAGGCATTTGAATT[GTTTTTTTCAGTGTCAAAGTTCGATCAGCAGCTGT>G]TACCTGTTTGAAAAACATTTTAGCCACAAAGACTGGACATAGTTTCTGGGAGATTTATAA-3'

ClinVar aggregate classification (germline): Likely pathogenic (1 of 4 stars; one submission).

Conditions:
Ataxia-telangiectasia syndrome (AT). Also called: ATAXIA-TELANGIECTASIA, COMPLEMENTATION GROUP A; ATAXIA-TELANGIECTASIA, FRESNO VARIANT; LOUIS-BAR SYNDROME; Ataxia-telangiectasia; Cerebello-oculocutaneous telangiectasia; Immunodeficiency with ataxia telangiectasia. Identifiers: Orphanet 100, MedGen C0004135, MONDO:0008840, OMIM 208900.

Submission:

Labcorp Genetics (formerly Invitae), Labcorp
Classification: Likely pathogenic for Ataxia-telangiectasia syndrome. Last evaluated: 2021-03-13. Review status: criteria provided, single submitter. Criteria: Invitae Variant Classification Sherloc (09022015). Collection method: clinical testing. Allele origin: germline.
Comment: In summary, the currently available evidence indicates that the variant is pathogenic, but additional data are needed to prove that conclusively. Therefore, this variant has been classified as Likely Pathogenic. Algorithms developed to predict the effect of sequence changes on RNA splicing suggest that this variant may disrupt the consensus splice site, but this prediction has not been confirmed by published transcriptional studies. This variant has not been reported in the literature in individuals with ATM-related conditions. This variant is not present in population databases (ExAC no frequency). This variant results in the deletion of part of exon 35 (c.5178-9_5202del) of the ATM gene. It is expected to disrupt RNA splicing. Variants that disrupt the donor or acceptor splice site typically lead to a loss of protein function (PMID: 16199547), and loss-of-function variants in ATM are known to be pathogenic (PMID: 23807571, 25614872).

Literature cited by the submitters: PubMed 16199547; PubMed 23807571; PubMed 25614872.